The following is an entry in ClinVar:

NM_001350494.2(NT5DC4):c.1249-1818T>C

Genes: CKAP2L (cytoskeleton associated protein 2L; minus strand), NT5DC4 (5'-nucleotidase domain containing 4; plus strand). Cytogenetic location: 2q14.1.
Variant type: single nucleotide variant.
Coding change: c.1249-1818T>C on transcript NM_001350494.2; 1818 bases into the intron before coding-DNA position 1249, T replaced by C.
Molecular consequence: intron variant.
Genome position (GRCh38, 1-based): chr2:112,740,594, T>C. VCF-style: chr2-112740594-T-C. GRCh37 (hg19) VCF-style: chr2-113498171-T-C.
Other names: c.1517+224A>G (NM_001304361.2); c.2012+224A>G (NM_152515.5).
Identifiers: ClinVar variation 3771373 (VCV003771373.13).

ClinVar aggregate classification (germline): Likely benign (1 of 4 stars; one submission).

gnomAD v4.1: 223 of 152,248 alleles (0.15%); highest among the groups gnomAD compares: Non-Finnish European, 0.26%; no homozygotes.

Submission:

CeGaT Center for Human Genetics Tuebingen
Classification: Likely benign. Last evaluated: 2026-02-01. Review status: criteria provided, single submitter. Criteria: CeGaT Center For Human Genetics Tuebingen Variant Classification Criteria Version 2. Collection method: clinical testing. Allele origin: germline. Affected: yes. Observed: 2 variant alleles.
Comment: NT5DC4: BP4, BP7